The following is an entry in ClinVar:

NM_016222.4(DDX41):c.1528C>T (p.Pro510Ser)

Gene: DDX41 (DEAD-box helicase 41; minus strand). Cytogenetic location: 5q35.3.
Variant type: single nucleotide variant.
Coding change: c.1528C>T on transcript NM_016222.4 (MANE Select); coding-DNA position 1528, C replaced by T.
Protein change: p.Pro510Ser; replaces proline 510 with serine.
Molecular consequence: missense variant.
Genome position (GRCh38, 1-based): chr5:177,512,517, G>A on the plus strand (C>T on the coding strand, the complement: DDX41 is on the minus strand). VCF-style: chr5-177512517-G-A. GRCh37 (hg19) VCF-style: chr5-176939518-G-A.
Other names: c.1528C>T (NM_016222.3, NM_016222.2); c.1150C>T, p.Pro384Ser (NM_001321732.2, NM_001321830.2); short protein forms P384S, P510S.
Identifiers: ClinVar variation 1981975 (VCV001981975.9), dbSNP rs199756165, ClinGen allele CA3584727.

ClinVar aggregate classification (germline): Uncertain significance. Review status: criteria provided, multiple submitters, no conflicts (2 of 4 stars). 5 submissions from 5 submitters: Uncertain significance (4). 1 of the submissions does not count toward it. Last evaluated 2025-09-09.

Conditions:
DDX41-related hematologic malignancy predisposition syndrome. Also called: Myeloproliferative/lymphoproliferative neoplasms, familial (multiple types), susceptibility to; DDX41-Associated Familial Myelodysplastic Syndrome and Acute Myeloid Leukemia. Identifiers: Orphanet 488647, MedGen C4225174, MONDO:0014809, OMIM 616871.
Inborn genetic diseases. Identifiers: MedGen C0950123, MeSH D030342.
DDX41-related disorder. Also called: DDX41-related condition.

Allele frequency attached by ClinVar (database versions not stated): gnomAD exomes 0.00007; gnomAD 0.00003; ExAC 0.00026; TOPMed 0.00004.
gnomAD v4.1: 109 of 1,614,016 alleles (0.0068%); highest among the groups gnomAD compares: Non-Finnish European, 0.0081%; 2 homozygotes.

Submissions (5):

Labcorp Genetics (formerly Invitae), Labcorp
Classification: Uncertain significance. Last evaluated: 2025-09-09. Review status: criteria provided, single submitter. Criteria: Invitae Variant Classification Sherloc (09022015). Collection method: clinical testing. Allele origin: germline.
Comment: This sequence change replaces proline, which is neutral and non-polar, with serine, which is neutral and polar, at codon 510 of the DDX41 protein (p.Pro510Ser). This variant is present in population databases (rs199756165, gnomAD 0.02%). This missense change has been observed in individual(s) with lymphoproliferative neoplasms (PMID: 35671390, 37506341). ClinVar contains an entry for this variant (Variation ID: 1981975). An algorithm developed to predict the effect of missense changes on protein structure and function (PolyPhen-2) suggests that this variant is likely to be tolerated. In summary, the available evidence is currently insufficient to determine the role of this variant in disease. Therefore, it has been classified as a Variant of Uncertain Significance.

Ambry Genetics
Classification: Uncertain significance for Inborn genetic diseases. Last evaluated: 2024-08-23. Review status: criteria provided, single submitter. Criteria: Ambry Variant Classification Scheme 2023. Collection method: clinical testing. Allele origin: germline.
Comment: The p.P510S variant (also known as c.1528C>T), located in coding exon 14 of the DDX41 gene, results from a C to T substitution at nucleotide position 1528. The proline at codon 510 is replaced by serine, an amino acid with similar properties. This variant was reported in individual(s) with features of DDX41-related hematologic malignancy predisposition syndrome (Li P et al. Blood, 2022 Aug;140:716-755). This amino acid position is highly conserved in available vertebrate species. In addition, this alteration is predicted to be deleterious by in silico analysis. Based on the available evidence, the clinical significance of this variant remains unclear.

St. Jude Molecular Pathology, St. Jude Children's Research Hospital
Classification: Uncertain significance for DDX41-related hematologic malignancy predisposition syndrome. Last evaluated: 2024-08-15. Review status: criteria provided, single submitter. Criteria: St. Jude Assertion Criteria 2020. Collection method: clinical testing. Allele origin: germline.
Comment: The DDX41 c.1528C>T (p.Pro510Ser) missense change has a maximum subpopulation frequency of 0.03% in gnomAD v2.1.1. The in silico tool REVEL predicts a deleterious effect on protein function, but this prediction has not been confirmed by functional studies. This variant has been reported in individuals with myelodysplastic syndrome and/or acute myeloid leukemia (PMID: 35671390). In summary, the evidence currently available is insufficient to determine the clinical significance of this variant. It has therefore been classified as of uncertain significance.

GeneDx
Classification: Uncertain significance. Last evaluated: 2024-06-25. Review status: criteria provided, single submitter. Criteria: GeneDx Variant Classification Process June 2021. Collection method: clinical testing. Allele origin: germline.
Comment: In silico analysis supports that this missense variant has a deleterious effect on protein structure/function; Observed in patients with acute myeloid leukemia or myelodysplastic syndrome; however, it is not clear whether the variant was confirmed as germline (PMID: 35671390); This variant is associated with the following publications: (PMID: 27721487, 37506341, 35671390)

PreventionGenetics, part of Exact Sciences
Classification: Uncertain significance for DDX41-related condition. Last evaluated: 2024-08-26. Review status: no assertion criteria provided. Collection method: clinical testing. Allele origin: germline. Not counted in ClinVar's aggregate classification.
Comment: The DDX41 c.1528C>T variant is predicted to result in the amino acid substitution p.Pro510Ser. This variant has been reported in an individual with acute myeloid leukemia (Li et al. 2022. PubMed ID: 35671390). This variant is reported in 0.026% of alleles in individuals of European (Non-Finnish) descent in gnomAD. At this time, the clinical significance of this variant is uncertain due to the absence of conclusive functional and genetic evidence.

Literature cited by the submitters: PubMed 35671390 (cited by Labcorp Genetics (formerly Invitae), Labcorp and Ambry Genetics); PubMed 37506341 (cited by Labcorp Genetics (formerly Invitae), Labcorp).